The following is an entry in ClinVar:

ClinVar aggregate classification (germline): Uncertain significance (1 of 4 stars; one submission).

gnomAD v4.1: 2 of 1,578,146 alleles (0.00013%); highest among the groups gnomAD compares: African/African-American, 0.0027%; no homozygotes.

Submission:

GeneDx
Classification: Uncertain significance. Last evaluated: 2023-11-15. Review status: criteria provided, single submitter. Criteria: GeneDx Variant Classification Process June 2021. Collection method: clinical testing. Allele origin: germline. Affected: yes.
Comment: Not observed at significant frequency in large population cohorts (gnomAD); In silico analysis supports that this missense variant has a deleterious effect on protein structure/function; Has not been previously published as pathogenic or benign to our knowledge

NM_173551.5(ANKS6):c.832G>A (p.Asp278Asn)

Gene: ANKS6 (ankyrin repeat and sterile alpha motif domain containing 6; minus strand). Cytogenetic location: 9q22.33.
Variant type: single nucleotide variant.
Coding change: c.832G>A on transcript NM_173551.5 (MANE Select); coding-DNA position 832, G replaced by A.
Protein change: p.Asp278Asn; replaces aspartic acid 278 with asparagine.
Molecular consequence: missense variant.
Genome position (GRCh38, 1-based): chr9:98,790,134, C>T on the plus strand (G>A on the coding strand, the complement: ANKS6 is on the minus strand). VCF-style: chr9-98790134-C-T. GRCh37 (hg19) VCF-style: chr9-101552416-C-T.
Other names: short protein forms D278N.
Identifiers: ClinVar variation 3364035 (VCV003364035.1).